The following is an entry in ClinVar:

ClinVar aggregate classification (germline): Benign. Review status: criteria provided, multiple submitters, no conflicts (2 of 4 stars). 3 submissions from 3 submitters: Benign (2). 1 of the submissions does not count toward it. Last evaluated 2018-11-12.

Allele frequency attached by ClinVar (database versions not stated): gnomAD 0.06802 and 0.07203; ESP Exome Variant Server 0.07247; TOPMed 0.07383; gnomAD exomes 0.09541 and 0.09571; ExAC 0.09670; 1000 Genomes Project 30x 0.10696; 1000 Genomes Project 0.11102.
gnomAD v4.1: 150,538 of 1,613,366 alleles (9.3%); highest among the groups gnomAD compares: East Asian, 26%; 8,417 homozygotes.

Submissions (3):

GeneDx
Classification: Benign. Last evaluated: 2018-11-12. Review status: criteria provided, single submitter. Criteria: GeneDx Variant Classification Process June 2021. Collection method: clinical testing. Allele origin: germline. Affected: yes.

Breakthrough Genomics
Classification: Benign. Review status: criteria provided, single submitter. Criteria: ACMG Guidelines, 2015. Collection method: not provided. Allele origin: germline. Inheritance: Unknown mechanism. Affected: yes.

Genetic Services Laboratory, University of Chicago
Classification: Likely benign for AllHighlyPenetrant. Review status: no assertion criteria provided. Collection method: clinical testing. Allele origin: germline. Inheritance: Autosomal dominant inheritance. Not counted in ClinVar's aggregate classification.
Comment: Likely benign based on allele frequency in 1000 Genomes Project or ESP global frequency and its presence in a patient with a rare or unrelated disease phenotype. NOT Sanger confirmed.

NM_014832.5(TBC1D4):c.302C>T (p.Ala101Val)

Gene: TBC1D4 (TBC1 domain family member 4; minus strand). Cytogenetic location: 13q22.2.
Variant type: single nucleotide variant.
Coding change: c.302C>T on transcript NM_014832.5 (MANE Select); coding-DNA position 302, C replaced by T.
Protein change: p.Ala101Val; replaces alanine 101 with valine.
Molecular consequence: missense variant.
Genome position (GRCh38, 1-based): chr13:75,481,466, G>A on the plus strand (C>T on the coding strand, the complement: TBC1D4 is on the minus strand). VCF-style: chr13-75481466-G-A. GRCh37 (hg19) VCF-style: chr13-76055602-G-A.
Other names: c.302C>T, p.Ala101Val (NM_001286658.2, NM_001286659.2); short protein forms A101V.
Identifiers: ClinVar variation 130551 (VCV000130551.10), dbSNP rs77685055, ClinGen allele CA214719.